The following is an entry in ClinVar:

ClinVar aggregate classification (germline): Pathogenic (1 of 4 stars; one submission).

Conditions:
Hereditary cancer-predisposing syndrome. Also called: Hereditary neoplastic syndrome; Neoplastic Syndromes, Hereditary; Tumor predisposition; Hereditary Cancer Syndrome. Identifiers: Orphanet 140162, MedGen C0027672, MeSH D009386, MONDO:0015356.

Submission:

Labcorp Genetics (formerly Invitae), Labcorp
Classification: Pathogenic for Hereditary cancer-predisposing syndrome. Last evaluated: 2021-10-09. Review status: criteria provided, single submitter. Criteria: Invitae Variant Classification Sherloc (09022015). Collection method: clinical testing. Allele origin: germline.
Comment: For these reasons, this variant has been classified as Pathogenic. This variant has not been reported in the literature in individuals affected with RAD50-related conditions. This variant is a gross deletion of the genomic region encompassing exon(s) 3-15 of the RAD50 gene. This deletion is out-of-frame, and is expected to create a premature termination codon and result in an absent or disrupted protein product. Loss-of-function variants in RAD50 are known to be pathogenic (PMID: 19409520).

Literature cited by the submitters: PubMed 19409520.

NC_000005.10:g.(?_132575767)_(132604056_?)del

Gene: RAD50 (RAD50 double strand break repair protein; plus strand). Cytogenetic location: 5q31.1.
Variant type: Deletion.
Identifiers: ClinVar variation 832663 (VCV000832663.5).